The following is an entry in ClinVar:

ClinVar aggregate classification (germline): Likely benign (1 of 4 stars; one submission).

Allele frequency attached by ClinVar (database versions not stated): ExAC 0.00002; gnomAD 0.00002; gnomAD exomes 0.00002 and 0.00003; TOPMed 0.00003; ESP Exome Variant Server 0.00008.

Submission:

GeneDx
Classification: Likely benign. Last evaluated: 2019-11-01. Review status: criteria provided, single submitter. Criteria: GeneDx Variant Classification Process June 2021. Collection method: clinical testing. Allele origin: germline. Affected: yes.
Comment: In silico analysis, which includes protein predictors and evolutionary conservation, supports that this variant does not alter protein structure/function; Has not been previously published as pathogenic or benign to our knowledge

NM_001372044.2(SHANK3):c.588C>G (p.Asp196Glu)

Gene: SHANK3 (SH3 and multiple ankyrin repeat domains 3; plus strand). Cytogenetic location: 22q13.33.
Variant type: single nucleotide variant.
Coding change: c.588C>G on transcript NM_001372044.2 (MANE Select); coding-DNA position 588, C replaced by G.
Protein change: p.Asp196Glu; replaces aspartic acid 196 with glutamic acid.
Molecular consequence: missense variant.
Genome position (GRCh38, 1-based): chr22:50,678,608, C>G. VCF-style: chr22-50678608-C-G. GRCh37 (hg19) VCF-style: chr22-51117036-C-G.
Other names: c.363C>G (NM_033517.1); short protein forms D196E.
Identifiers: ClinVar variation 1219651 (VCV001219651.3), dbSNP rs370856789, ClinGen allele CA10325211.